The following continues an entry in ClinVar:

NM_000545.8(HNF1A):c.526C>T (p.Gln176Ter)

Gene: HNF1A. ClinVar aggregate classification (germline): Pathogenic. Pathogenic (1).

Submissions 9 to 15 of 15:

Illumina Laboratory Services, Illumina
Classification: Pathogenic for Maturity-onset diabetes of the young type 3. Last evaluated: 2022-03-23. Review status: criteria provided, single submitter. Criteria: ICSLVariantClassificationCriteria RUGD 01 April 2020. Collection method: clinical testing. Allele origin: unknown. Not counted in ClinVar's aggregate classification.
Comment: The HNF1A c.526C>T (p.Gln176Ter) nonsense variant results in the substitution of glutamine at amino acid position 176 with a stop codon. Loss of normal protein function through either protein truncation or nonsense-mediated mRNA decay is expected. This variant has been reported in a heterozygous state in at least six individuals with maturity onset diabetes of the young (Xu et al. 2002; Ma et al. 2020; Gaál et al. 2021). This variant is reported in the Genome Aggregation Database in one allele at a frequency of 0.000009 in the European (non-Finnish) population (version 2.1.1). In vitro studies in HeLa cells transfected with the c.526C>T variant demonstrated that the c.526C>T variant resulted in null expression and no detectable protein. Transactivation studies using a luciferase reporter assay showed 24.16% activity compared to wildtype, which was similar to an empty vector alone (Xu et al. 2002). Based on the available evidence, the c.526C>T (p.Gln176Ter) variant is classified as pathogenic for maturity onset diabetes of the young.

Ambry Genetics
Classification: Pathogenic for Maturity-onset diabetes of the young. Last evaluated: 2021-11-18. Review status: criteria provided, single submitter. Criteria: Ambry Variant Classification Scheme 2023. Collection method: clinical testing. Allele origin: germline. Not counted in ClinVar's aggregate classification.
Comment: The c.526C>T (p.Q176*) alteration, located in exon 2 (coding exon 2) of the HNF1A gene, consists of a C to T substitution at nucleotide position 526. This changes the amino acid from a glutamine (Q) to a stop codon at amino acid position 176. This alteration is expected to result in loss of function by premature protein truncation or nonsense-mediated mRNA decay. This allele was reported in one heterozygous individual in population-based cohorts in the Genome Aggregation Database (gnomAD). This alteration was described in multiple families with suspected MODY (Xu, 2002; Ga&aacute;l, 2021). Functional studies showed this alteration resulted in a significant decrease in transactivation compared to wild-type (Xu, 2002). Based on the available evidence, this alteration is classified as pathogenic.

Laboratory for Molecular Medicine, Mass General Brigham Personalized Medicine
Classification: Pathogenic for Maturity-onset diabetes of the young. Last evaluated: 2020-11-06. Review status: criteria provided, single submitter. Criteria: ACMG Guidelines, 2015. Collection method: clinical testing. Allele origin: germline. Not counted in ClinVar's aggregate classification.
Comment: The p.Gln176Ter variant in HNF1A has been reported in 1 Southern Chinese family with maturity-onset diabetes of the young (MODY; Xu 2002 PMID: 12107757) and has been identified in 0.0009% (1/112922) of European chromosomes by gnomAD. This variant has also been reported in ClinVar (VariationID: 372380). In vitro functional studies provide some evidence that the p.Gln176Ter variant may impact protein function (Xu 2002 PMID: 12107757). This nonsense variant leads to a premature termination codon at position 176, which is predicted to lead to a truncated or absent protein. Heterozygous loss of function of the HNF1A gene is an established disease mechanism in MODY. In summary, this variant meets criteria to be classified as pathogenic for MODY in an autosomal dominant manner. ACMG/AMP Criteria applied: PVS1, PM2, PS3_Supporting.

Broad Center for Mendelian Genomics, Broad Institute of MIT and Harvard
Classification: Pathogenic for Maturity-onset diabetes of the young type 3. Last evaluated: 2020-01-22. Review status: criteria provided, single submitter. Criteria: ACMG Guidelines, 2015. Collection method: curation. Allele origin: germline. Inheritance: Autosomal dominant inheritance. Not counted in ClinVar's aggregate classification.
Comment: The p.Gln176Ter variant in HNF1A has been reported in 1 Southern Chinese family with maturity-onset diabetes of the young type 3 (MODY3) and has been identified in 0.0008856% (1/112922) of European (non-Finnish) chromosomes by the Genome Aggregation Database (gnomAD; dbSNP rs754728827). This variant has also been reported in ClinVar (VariationID: 372380) as pathogenic by GeneDx. In vitro functional studies in HeLa cells transfected with the variant demonstrating null expression and transactivation activities similar to those of an empty vector alone provide some evidence that the p.Gln176Ter variant may impact protein function (PMID: 12107757). However, these types of assays may not accurately represent biological function. This nonsense variant leads to a premature termination codon at position 576, which is predicted to lead to a truncated or absent protein. Heterozygous loss of function of the HNF1A gene is an established disease mechanism in MODY3. In summary, this variant meets criteria to be classified as pathogenic for MODY3 in an autosomal dominant manner based on the prediction that it will cause loss of function of the HNF1A gene, low frequency of the variant in the general population, and in vitro functional studies. ACMG/AMP Criteria applied: PVS1, PM2, PS3_moderate (Richards 2015).

Genetic Services Laboratory, University of Chicago
Classification: Pathogenic. Last evaluated: 2019-04-30. Review status: criteria provided, single submitter. Criteria: ACMG Guidelines, 2015. Collection method: clinical testing. Allele origin: germline. Affected: yes. Not counted in ClinVar's aggregate classification.
Comment: DNA sequence analysis of the HNF1A gene demonstrated a sequence change, c.526C>T, which results in the creation of a premature stop codon at amino acid position 176, p.Gln176*. This pathogenic sequence change is predicted to result in an abnormal transcript, which may be degraded, or may lead to the production of a truncated HNF1A protein with potentially abnormal function. This pathogenic sequence change has previously been described in a patient with MODY (PMID: 12107757).

Seattle Children's Hospital Molecular Genetics Laboratory, Seattle Children's Hospital
Classification: Pathogenic for Maturity-onset diabetes of the young type 1. Last evaluated: 2018-04-23. Review status: criteria provided, single submitter. Criteria: ACMG Guidelines, 2015. Collection method: clinical testing. Allele origin: unknown. Inheritance: Autosomal dominant inheritance. Affected: yes. Not counted in ClinVar's aggregate classification.
Comment: The c.526C>T (p.Gln176*, rs754728827) variant is located in exon 2 of the HNF1A gene. This single nucleotide substitution creates a premature stop codon at amino acid position 176. This variant has been reported in an individual with a clinical diagnosis of MODY (PMID: 12107757), and variants that cause a loss of protein function are a well described cause of MODY. This is not a common variant in the general population (1 out of 245246 alleles in GnomAD). In summary, this variant is interpreted to be pathogenic.

Clinical Genomics, Uppaluri K&H Personalized Medicine Clinic
Classification: Pathogenic for Maturity-onset diabetes of the young. Review status: criteria provided, single submitter. Criteria: K & H Uppaluri Personalized Medicine Clinic Variant Classification & Assertion Criteria_Updated V.1. Collection method: research. Allele origin: unknown. Inheritance: Autosomal dominant inheritance. Not counted in ClinVar's aggregate classification.
Comment: Mutations in HNF1A gene can predispose to MODY3. It is associated with both micro and macrovascular complications of diabetes, especially cardiovascular complications. Associated with glucosuria. May respond well to sulfonylureas. Sufficient evidence is found to confer the association of this particular variant rs754728827 with MODY3.

Literature cited by the submitters: PubMed 12107757 (cited by 6 submitters); PubMed 39859454 (cited by Women's Health and Genetics/Laboratory Corporation of America, LabCorp); PubMed 15928245 (cited by Labcorp Genetics (formerly Invitae), Labcorp); PubMed 18003757 (cited by Labcorp Genetics (formerly Invitae), Labcorp); PubMed 31166087 (cited by Athena Diagnostics); PubMed 32238361 (cited by 3 submitters); PubMed 32355288 (cited by Athena Diagnostics); PubMed 33216280 (cited by Athena Diagnostics); PubMed 34440499 (cited by 3 submitters); PubMed 35089870 (cited by Athena Diagnostics); PubMed 15657605 (cited by Athena Diagnostics); PubMed 36257325 (cited by Geisinger Clinic, Geisinger Health System).